The following is an entry in ClinVar:

NM_004380.3(CREBBP):c.6011G>A (p.Arg2004Gln)

Gene: CREBBP (CREB binding lysine acetyltransferase; minus strand). Cytogenetic location: 16p13.3.
Variant type: single nucleotide variant.
Coding change: c.6011G>A on transcript NM_004380.3 (MANE Select); coding-DNA position 6011, G replaced by A.
Protein change: p.Arg2004Gln; replaces arginine 2004 with glutamine.
Molecular consequence: missense variant.
Genome position (GRCh38, 1-based): chr16:3,729,036, C>T on the plus strand (G>A on the coding strand, the complement: CREBBP is on the minus strand). VCF-style: chr16-3729036-C-T. GRCh37 (hg19) VCF-style: chr16-3779037-C-T.
Other names: c.5897G>A, p.Arg1966Gln (NM_001079846.1); short protein forms R1966Q, R2004Q.
Identifiers: ClinVar variation 3350880 (VCV003350880.1).
Genomic context (GRCh38, chr16:3,729,036, plus strand): 5'-GCCTGCTGCCACTGCCCGGGAGGCATGCTGGGCATGACGGGCCCGCTCACCTGGTTGGGT[C>T]GGGGCACATTCAGGCTCACGGGGGCCATCTGGCTCCCCGGGGTCCCCATGCCCGTGCGTC-3'
Protein context (NP_004371.2, residues 1994-2014): QMAPVSLNVP[Arg2004Gln]PNQVSGPVMP

ClinVar aggregate classification (germline): Uncertain significance (0 of 4 stars; one submission).

Conditions:
CREBBP-related disorder. Also called: CREBBP-related condition; CREBBP-related disorders.

gnomAD v4.1: 17 of 1,589,058 alleles (0.0011%); highest among the groups gnomAD compares: East Asian, 0.0023%; no homozygotes.

Submission:

PreventionGenetics, part of Exact Sciences
Classification: Uncertain significance for CREBBP-related condition. Last evaluated: 2024-06-03. Review status: no assertion criteria provided. Collection method: clinical testing. Allele origin: germline.
Comment: The CREBBP c.6011G>A variant is predicted to result in the amino acid substitution p.Arg2004Gln. To our knowledge, this variant has not been reported in the literature. This variant is reported in 0.0062% of alleles in individuals of East Asian descent in gnomAD. At this time, the clinical significance of this variant is uncertain due to the absence of conclusive functional and genetic evidence.